The following is an entry in ClinVar:

ClinVar aggregate classification (germline): Uncertain significance. Review status: criteria provided, multiple submitters, no conflicts (2 of 4 stars). 2 submissions from 2 submitters: Uncertain significance (2). Last evaluated 2026-07-08.

Conditions:
Inborn genetic diseases. Identifiers: MedGen C0950123, MeSH D030342.

Allele frequency attached by ClinVar (database versions not stated): gnomAD exomes below 0.00001.
gnomAD v4.1: 1 of 1,613,598 alleles (0.000062%); highest among the groups gnomAD compares: Non-Finnish European, 0.000085%; no homozygotes.

Submissions (2):

Ambry Genetics
Classification: Uncertain significance for Inborn genetic diseases. Last evaluated: 2026-07-08. Review status: criteria provided, single submitter. Criteria: Ambry Variant Classification Scheme 2023. Collection method: clinical testing. Allele origin: germline.

GeneDx
Classification: Uncertain significance. Last evaluated: 2022-04-20. Review status: criteria provided, single submitter. Criteria: GeneDx Variant Classification Process June 2021. Collection method: clinical testing. Allele origin: germline. Affected: yes.
Comment: Not observed at significant frequency in large population cohorts (gnomAD); In silico analysis supports that this missense variant has a deleterious effect on protein structure/function; Occurs in the triple helical domain at the X position in the canonical Gly-X-Y repeat; although this variant may have an effect on normal protein folding and function, missense substitution at the X position is not a common mechanism of disease (Stenson et al., 2014); De novo variant with confirmed parentage; however, the reported clinical features are only partially consistent with the features typically observed in individuals with pathogenic variants in this gene; Has not been previously published as pathogenic or benign to our knowledge

NM_001844.5(COL2A1):c.622C>T (p.Pro208Ser)

Gene: COL2A1 (collagen type II alpha 1 chain; minus strand). Cytogenetic location: 12q13.11.
Variant type: single nucleotide variant.
Coding change: c.622C>T on transcript NM_001844.5 (MANE Select); coding-DNA position 622, C replaced by T.
Protein change: p.Pro208Ser; replaces proline 208 with serine.
Molecular consequence: missense variant.
Genome position (GRCh38, 1-based): chr12:47,995,907, G>A on the plus strand (C>T on the coding strand, the complement: COL2A1 is on the minus strand). VCF-style: chr12-47995907-G-A. GRCh37 (hg19) VCF-style: chr12-48389690-G-A.
Other names: c.415C>T, p.Pro139Ser (NM_033150.3); short protein forms P139S, P208S.
Identifiers: ClinVar variation 1710710 (VCV001710710.3), dbSNP rs2540175416, ClinGen allele CA384523939.